The following is an entry in ClinVar:

NM_001267550.2(TTN):c.23919T>C (p.Thr7973=)

Gene: TTN (titin; minus strand). Cytogenetic location: 2q31.2.
Variant type: single nucleotide variant.
Coding change: c.23919T>C on transcript NM_001267550.2 (MANE Select); coding-DNA position 23919, T replaced by C.
Protein change: p.Thr7973=; no amino-acid change (threonine 7973 retained).
Molecular consequence: synonymous variant. On other transcripts: intron variant (3).
Genome position (GRCh38, 1-based): chr2:178,719,573, A>G on the plus strand (T>C on the coding strand, the complement: TTN is on the minus strand). VCF-style: chr2-178719573-A-G. GRCh37 (hg19) VCF-style: chr2-179584300-A-G.
Other names: c.20187T>C, p.Thr6729= (NM_133378.4); c.22968T>C, p.Thr7656= (NM_001256850.1); c.13282+18509T>C (NM_003319.4); c.13858+18509T>C (NM_133437.4); c.13657+18509T>C (NM_133432.3).
Identifiers: ClinVar variation 179593 (VCV000179593.5), dbSNP rs727504974, ClinGen allele CA184735.

ClinVar aggregate classification (germline): Likely benign (1 of 4 stars; one submission).

Allele frequency attached by ClinVar (database versions not stated): gnomAD exomes below 0.00001.

Submission:

Laboratory for Molecular Medicine, Mass General Brigham Personalized Medicine
Classification: Likely benign. Last evaluated: 2014-03-14. Review status: criteria provided, single submitter. Criteria: LMM Criteria. Collection method: clinical testing. Allele origin: germline. Observed: 1 variant allele.
Comment: Thr6729Thr in exon 79 of TTN: This variant is not expected to have clinical sign ificance because it does not alter an amino acid residue and is not located with in the splice consensus sequence. Thr6729Thr in exon 79 of TTN (allele frequenc y = n/a)